The following is an entry in ClinVar:

NM_000503.6(EYA1):c.1437G>C (p.Leu479Phe)

Gene: EYA1 (EYA transcriptional coactivator and phosphatase 1; minus strand). Cytogenetic location: 8q13.3.
Variant type: single nucleotide variant.
Coding change: c.1437G>C on transcript NM_000503.6 (MANE Select); coding-DNA position 1437, G replaced by C.
Protein change: p.Leu479Phe; replaces leucine 479 with phenylalanine.
Molecular consequence: missense variant.
Genome position (GRCh38, 1-based): chr8:71,215,652, C>G on the plus strand (G>C on the coding strand, the complement: EYA1 is on the minus strand). VCF-style: chr8-71215652-C-G. GRCh37 (hg19) VCF-style: chr8-72127887-C-G.
Other names: c.1419G>C, p.Leu473Phe (NM_001288574.2, NM_172059.5); c.1071G>C, p.Leu357Phe (NM_001288575.2); c.1524G>C, p.Leu508Phe (NM_001370333.1); c.1437G>C, p.Leu479Phe (NM_001370334.1, NM_001370335.1, NM_172058.4); c.1416G>C, p.Leu472Phe (NM_001370336.1); c.1338G>C, p.Leu446Phe (NM_001411797.1, NM_172060.4); short protein forms L357F, L446F, L472F, L473F, L479F, L508F.
Identifiers: ClinVar variation 3361255 (VCV003361255.1).
Genomic context (GRCh38, chr8:71,215,652, plus strand): 5'-AAGACCCCGCAGAGAGCCTCACCGGGAGTGAATGAGCGAGAGTGCTTTCAGGGCCAGTGT[C>G]AACCAGGAGTCGGTCAGGGCTTCAATTTCGGCCCTCAACTGCAGCCAGGCTTCCCTCTTA-3'
Protein context (NP_000494.2, residues 469-489): AEIEALTDSW[Leu479Phe]TLALKALSLI

ClinVar aggregate classification (germline): Uncertain significance (1 of 4 stars; one submission).

Submission:

GeneDx
Classification: Uncertain significance. Last evaluated: 2024-02-02. Review status: criteria provided, single submitter. Criteria: GeneDx Variant Classification Process June 2021. Collection method: clinical testing. Allele origin: germline. Affected: yes.
Comment: Not observed at significant frequency in large population cohorts (gnomAD); In silico analysis supports that this missense variant has a deleterious effect on protein structure/function; Has not been previously published as pathogenic or benign to our knowledge